The following is an entry in ClinVar:

ClinVar aggregate classification (germline): Likely benign. Review status: criteria provided, multiple submitters, no conflicts (2 of 4 stars). 3 submissions from 3 submitters: Likely benign (3). Last evaluated 2025-12-11.

Conditions:
TTN-related disorder. Also called: TTN-related condition; TTN-related disease; TTN-related disorders.
Autosomal recessive limb-girdle muscular dystrophy type 2J (LGMDR10). Also called: Limb-girdle muscular dystrophy, type 2J; MUSCULAR DYSTROPHY, LIMB-GIRDLE, AUTOSOMAL RECESSIVE 10. Identifiers: Orphanet 140922, MedGen C1837342, MONDO:0012127, OMIM 608807.
Dilated cardiomyopathy 1G (CMD1G). Identifiers: Orphanet 154, MedGen C1858763, MONDO:0011400, OMIM 604145.
Cardiovascular phenotype. Identifiers: MedGen CN230736.

Allele frequency attached by ClinVar (database versions not stated): gnomAD exomes below 0.00001 and 0.00001; gnomAD 0.00001; TOPMed 0.00001.
gnomAD v4.1: 11 of 1,613,676 alleles (0.00068%); highest among the groups gnomAD compares: Non-Finnish European, 0.00093%; no homozygotes.

Submissions (3):

Labcorp Genetics (formerly Invitae), Labcorp
Classification: Likely benign for Dilated cardiomyopathy 1G; Autosomal recessive limb-girdle muscular dystrophy type 2J. Last evaluated: 2025-12-11. Review status: criteria provided, single submitter. Criteria: Invitae Variant Classification Sherloc (09022015). Collection method: clinical testing. Allele origin: germline.

PreventionGenetics, part of Exact Sciences
Classification: Likely benign for TTN-related condition. Last evaluated: 2025-06-13. Review status: criteria provided, single submitter. Criteria: ACMG Guidelines, 2015. Collection method: clinical testing. Allele origin: germline.
Comment: This variant is classified as likely benign based on ACMG/AMP sequence variant interpretation guidelines (Richards et al. 2015 PMID: 25741868, with internal and published modifications).

Ambry Genetics
Classification: Likely benign for Cardiovascular phenotype. Last evaluated: 2020-01-24. Review status: criteria provided, single submitter. Criteria: Ambry Variant Classification Scheme 2023. Collection method: clinical testing. Allele origin: germline.

NM_001267550.2(TTN):c.86970T>C (p.Val28990=)

Genes: TTN (titin; minus strand), TTN-AS1 (TTN antisense RNA 1; plus strand). Cytogenetic location: 2q31.2.
Variant type: single nucleotide variant.
Coding change: c.86970T>C on transcript NM_001267550.2 (MANE Select); coding-DNA position 86970, T replaced by C.
Protein change: p.Val28990=; no amino-acid change (valine 28990 retained).
Molecular consequence: synonymous variant.
Genome position (GRCh38, 1-based): chr2:178,558,489, A>G on the plus strand (T>C on the coding strand, the complement: TTN is on the minus strand). VCF-style: chr2-178558489-A-G. GRCh37 (hg19) VCF-style: chr2-179423216-A-G.
Other names: c.82047T>C, p.Val27349= (NM_001256850.1); c.59775T>C, p.Val19925= (NM_003319.4); c.79266T>C, p.Val26422= (NM_133378.4); c.60150T>C, p.Val20050= (NM_133432.3); c.60351T>C, p.Val20117= (NM_133437.4).
Identifiers: ClinVar variation 1117691 (VCV001117691.12), dbSNP rs1477582027, ClinGen allele CA430247762.
Genomic context (GRCh38, chr2:178,558,489, plus strand): 5'-TTCAGAATTCTCTCTCAGACCGGAAACAACGTGATGGGTTGACTTTGCCACTGCACATTT[A>G]ACCCAGTTTTTCTGTCCTTTTTCTAGTGCTTCAACGACATAGTGTACAATTCTGCTTCCG-3'
Protein context (NP_001254479.2, residues 28980-29000): EALEKGQKNW[Val28990=]KCAVAKSTHH